The following is an entry in ClinVar:

ClinVar aggregate classification (germline): Uncertain significance (1 of 4 stars; one submission).

Conditions:
Anauxetic dysplasia. Identifiers: Orphanet 93347, MedGen C1846796, MONDO:0011773.

Submission:

Labcorp Genetics (formerly Invitae), Labcorp
Classification: Uncertain significance for Anauxetic dysplasia. Last evaluated: 2023-12-07. Review status: criteria provided, single submitter. Criteria: Invitae Variant Classification Sherloc (09022015). Collection method: clinical testing. Allele origin: germline.
Comment: This variant occurs in the RMRP gene, which encodes an RNA molecule that does not result in a protein product. This variant is present in population databases (no rsID available, gnomAD 0.02%). This variant has not been reported in the literature in individuals affected with RMRP-related conditions. Experimental studies and prediction algorithms are not available or were not evaluated, and the functional significance of this variant is currently unknown. In summary, the available evidence is currently insufficient to determine the role of this variant in disease. Therefore, it has been classified as a Variant of Uncertain Significance.

NC_000009.12:g.35658026C>G

Gene: RMRP (RNA component of mitochondrial RNA processing endoribonuclease; minus strand). Cytogenetic location: 9p13.3.
Variant type: single nucleotide variant.
Genome position: GRCh38 VCF-style: chr9-35658026-C-G. GRCh37 (hg19) VCF-style: chr9-35658023-C-G.
Identifiers: ClinVar variation 2166624 (VCV002166624.2), dbSNP rs898955976, ClinGen allele CA587570211.